The following is an entry in ClinVar:

ClinVar aggregate classification (germline): Conflicting classifications of pathogenicity. Review status: criteria provided, conflicting classifications (1 of 4 stars). 4 submissions from 4 submitters: Uncertain significance (2); Likely benign (2). Last evaluated 2026-06-12.

Conditions:
Inborn genetic diseases. Identifiers: MedGen C0950123, MeSH D030342.
Charcot-Marie-Tooth disease type 2. Also called: Charcot-Marie-Tooth type 2. Identifiers: Orphanet 64746, MedGen C0270914, MONDO:0018993.

Allele frequency attached by ClinVar (database versions not stated): gnomAD exomes 0.00024; 1000 Genomes Project 0.00060; TOPMed 0.00080; gnomAD 0.00054 and 0.00052; ESP Exome Variant Server 0.00062; 1000 Genomes Project 30x 0.00062.

Submissions (4):

Women's Health and Genetics/Laboratory Corporation of America, LabCorp
Classification: Likely benign. Last evaluated: 2026-06-12. Review status: criteria provided, single submitter. Criteria: LabCorp Variant Classification Summary - May 2015. Collection method: clinical testing. Allele origin: germline.
Comment: Variant summary: MED25 c.602C>T (p.Pro201Leu) results in a non-conservative amino acid change in the encoded protein sequence. Algorithms developed to predict the effect of missense changes on protein structure and function are either unavailable or do not agree on the potential impact of this missense change. The variant allele was found at a frequency of 0.00024 in 246284 control chromosomes, predominantly at a frequency of 0.0019 within the African or African-American subpopulation in the gnomAD database. The observed variant frequency within African or African-American control individuals in the gnomAD database exceeds the estimated maximal expected allele frequency for disease-causing variants in MED25. To our knowledge, no occurrence of c.602C>T in individuals affected with MED25-related conditions and no experimental evidence demonstrating its impact on protein function have been reported. ClinVar contains an entry for this variant (Variation ID: 543216). Based on the evidence outlined above, the variant was classified as likely benign.

Ambry Genetics
Classification: Likely benign for Inborn genetic diseases. Last evaluated: 2024-05-14. Review status: criteria provided, single submitter. Criteria: Ambry Variant Classification Scheme 2023. Collection method: clinical testing. Allele origin: germline.

GeneDx
Classification: Uncertain significance. Last evaluated: 2023-07-15. Review status: criteria provided, single submitter. Criteria: GeneDx Variant Classification Process June 2021. Collection method: clinical testing. Allele origin: germline. Affected: yes.
Comment: Has not been previously published as pathogenic or benign to our knowledge; In silico analysis supports that this missense variant does not alter protein structure/function

Labcorp Genetics (formerly Invitae), Labcorp
Classification: Uncertain significance for Charcot-Marie-Tooth disease type 2. Last evaluated: 2022-08-15. Review status: criteria provided, single submitter. Criteria: Invitae Variant Classification Sherloc (09022015). Collection method: clinical testing. Allele origin: germline.
Comment: This sequence change replaces proline, which is neutral and non-polar, with leucine, which is neutral and non-polar, at codon 201 of the MED25 protein (p.Pro201Leu). This variant is present in population databases (rs144354024, gnomAD 0.2%). This variant has not been reported in the literature in individuals affected with MED25-related conditions. ClinVar contains an entry for this variant (Variation ID: 543216). Algorithms developed to predict the effect of missense changes on protein structure and function (SIFT, PolyPhen-2, Align-GVGD) all suggest that this variant is likely to be tolerated. In summary, the available evidence is currently insufficient to determine the role of this variant in disease. Therefore, it has been classified as a Variant of Uncertain Significance.

NM_030973.4(MED25):c.602C>T (p.Pro201Leu)

Gene: MED25 (mediator complex subunit 25; plus strand). Cytogenetic location: 19q13.33.
Variant type: single nucleotide variant.
Coding change: c.602C>T on transcript NM_030973.4 (MANE Select); coding-DNA position 602, C replaced by T.
Protein change: p.Pro201Leu; replaces proline 201 with leucine.
Molecular consequence: missense variant.
Genome position (GRCh38, 1-based): chr19:49,829,862, C>T. VCF-style: chr19-49829862-C-T. GRCh37 (hg19) VCF-style: chr19-50333119-C-T.
Other names: c.602C>T, p.Pro201Leu (NM_001378355.1); short protein forms P201L.
Identifiers: ClinVar variation 543216 (VCV000543216.11), dbSNP rs144354024, ClinGen allele CA9584928.